The following is an entry in ClinVar:

ClinVar aggregate classification (germline): Pathogenic (1 of 4 stars; one submission).

Submission:

Labcorp Genetics (formerly Invitae), Labcorp
Classification: Pathogenic. Last evaluated: 2022-11-24. Review status: criteria provided, single submitter. Criteria: Invitae Variant Classification Sherloc (09022015). Collection method: clinical testing. Allele origin: germline.
Comment: This sequence change creates a premature translational stop signal (p.Gln93*) in the TYMP gene. It is expected to result in an absent or disrupted protein product. Loss-of-function variants in TYMP are known to be pathogenic (PMID: 9924029, 15781193). This variant is not present in population databases (gnomAD no frequency). This variant has not been reported in the literature in individuals affected with TYMP-related conditions. For these reasons, this variant has been classified as Pathogenic.

Literature cited by the submitters: PubMed 9924029; PubMed 15781193.

NM_001953.5(TYMP):c.277C>T (p.Gln93Ter)

Genes: TYMP (thymidine phosphorylase; minus strand), LOC130067864 (ATAC-STARR-seq lymphoblastoid active region 19325; plus strand). Cytogenetic location: 22q13.33.
Variant type: single nucleotide variant.
Coding change: c.277C>T on transcript NM_001953.5 (MANE Select); coding-DNA position 277, C replaced by T.
Protein change: p.Gln93Ter; replaces glutamine 93 with a stop codon.
Molecular consequence: nonsense.
Genome position (GRCh38, 1-based): chr22:50,529,276, G>A on the plus strand (C>T on the coding strand, the complement: TYMP is on the minus strand). VCF-style: chr22-50529276-G-A. GRCh37 (hg19) VCF-style: chr22-50967705-G-A.
Other names: c.277C>T, p.Gln93Ter (NM_001113755.3, NM_001113756.3, NM_001257988.1 and 1 more transcripts); short protein forms Q93*.
Identifiers: ClinVar variation 2816194 (VCV002816194.3), dbSNP rs2522547175, ClinGen allele CA412202195.
Genomic context (GRCh38, chr22:50,529,276, plus strand): 5'-CAAGCTGCTGGCGCCAGGCCTCTGGCCACTCCAGCTGCTGTCCCGACTGAGCCAGGGCCT[G>A]GGTCAGCACCGAGGTCTCCTCCAGATCCATGCCCCGAAGTCGGATGGCCATCAGCATGGC-3'